The following is an entry in ClinVar:

ClinVar aggregate classification (germline): Conflicting classifications of pathogenicity. Review status: criteria provided, conflicting classifications (1 of 4 stars). 6 submissions from 6 submitters: Uncertain significance (1); Benign (1); Likely benign (4). Last evaluated 2025-11-11.

Conditions:
Von Hippel-Lindau syndrome (VHLS). Also called: Von Hippel-Lindau; von Hippel–Lindau syndrome; VHL syndrome. Identifiers: Orphanet 892, MedGen C0019562, MONDO:0008667, OMIM 193300. Disease mechanism: loss of function.
Chuvash polycythemia. Also called: POLYCYTHEMIA, VHL-DEPENDENT. Identifiers: Orphanet 238557, MedGen C1837915, MONDO:0009892, OMIM 263400.
Hereditary cancer-predisposing syndrome. Also called: Hereditary Cancer Syndrome; Hereditary neoplastic syndrome; Tumor predisposition; Neoplastic Syndromes, Hereditary. Identifiers: Orphanet 140162, MedGen C0027672, MeSH D009386, MONDO:0015356.

Allele frequency attached by ClinVar (database versions not stated): TOPMed below 0.00001; gnomAD 0.00001; gnomAD exomes 0.00001.
gnomAD v4.1: 5 of 1,542,294 alleles (0.00032%); highest among the groups gnomAD compares: East Asian, 0.0049%; no homozygotes.

Submissions (6):

Labcorp Genetics (formerly Invitae), Labcorp
Classification: Likely benign for Von Hippel-Lindau syndrome; Chuvash polycythemia. Last evaluated: 2025-11-11. Review status: criteria provided, single submitter. Criteria: Invitae Variant Classification Sherloc (09022015). Collection method: clinical testing. Allele origin: germline.

Myriad Genetics, Inc.
Classification: Benign for Von Hippel-Lindau syndrome. Last evaluated: 2025-06-10. Review status: criteria provided, single submitter. Criteria: Myriad Autosomal Dominant, Autosomal Recessive and X-Linked Classification Criteria (2023). Collection method: clinical testing. Allele origin: unknown.
Comment: This variant is considered benign. This variant is a silent/synonymous amino acid change and it is not expected to impact splicing.

All of Us Research Program, National Institutes of Health
Classification: Likely benign for Von Hippel-Lindau syndrome. Last evaluated: 2023-04-27. Review status: criteria provided, single submitter. Criteria: ACMG Guidelines, 2015. Collection method: clinical testing. Allele origin: germline. Inheritance: Autosomal dominant inheritance. Observed: 1 variant allele, 1 heterozygote.
Comment: This study involves interpretation of variants in research participants for the purpose of population health screening. Participant phenotype was not available at the time of variant classification. Additional details can be found in publication PMID: 35346344, PMCID: PMC8962531

Color Diagnostics, LLC DBA Color Health
Classification: Likely benign for Von Hippel-Lindau syndrome. Last evaluated: 2022-03-31. Review status: criteria provided, single submitter. Criteria: ACMG Guidelines, 2015. Collection method: clinical testing. Allele origin: germline.

Ambry Genetics
Classification: Likely benign for Hereditary cancer-predisposing syndrome. Last evaluated: 2022-01-21. Review status: criteria provided, single submitter. Criteria: Ambry Variant Classification Scheme 2023. Collection method: clinical testing. Allele origin: germline.

Illumina Laboratory Services, Illumina
Classification: Uncertain significance for Von Hippel-Lindau syndrome. Last evaluated: 2018-01-13. Review status: criteria provided, single submitter. Criteria: ICSL Variant Classification Criteria 13 December 2019. Collection method: clinical testing. Allele origin: germline.

NM_000551.4(VHL):c.99G>C (p.Ser33=)

Gene: VHL (von Hippel-Lindau tumor suppressor; plus strand). Cytogenetic location: 3p25.3.
Variant type: single nucleotide variant.
Coding change: c.99G>C on transcript NM_000551.4 (MANE Select); coding-DNA position 99, G replaced by C.
Protein change: p.Ser33=; no amino-acid change (serine 33 retained).
Molecular consequence: synonymous variant.
Genome position (GRCh38, 1-based): chr3:10,141,946, G>C. VCF-style: chr3-10141946-G-C. GRCh37 (hg19) VCF-style: chr3-10183630-G-C.
Other names: c.99G>C, p.Ser33= (NM_001354723.2, NM_198156.3).
Identifiers: ClinVar variation 456595 (VCV000456595.20), dbSNP rs912159589, ClinGen allele CA70042269.